The following is an entry in ClinVar:

ClinVar aggregate classification (germline): Uncertain significance (1 of 4 stars; one submission).

Conditions:
Hereditary cancer-predisposing syndrome. Also called: Tumor predisposition; Hereditary Cancer Syndrome; Hereditary neoplastic syndrome; Neoplastic Syndromes, Hereditary. Identifiers: Orphanet 140162, MedGen C0027672, MeSH D009386, MONDO:0015356.

Allele frequency attached by ClinVar (database versions not stated): gnomAD exomes below 0.00001.
gnomAD v4.1: 1 of 1,614,230 alleles (0.000062%); highest among the groups gnomAD compares: Non-Finnish European, 0.000085%; no homozygotes.

Submission:

Ambry Genetics
Classification: Uncertain significance for Hereditary cancer-predisposing syndrome. Last evaluated: 2023-08-30. Review status: criteria provided, single submitter. Criteria: Ambry Variant Classification Scheme 2023. Collection method: clinical testing. Allele origin: germline.
Comment: The p.R211T variant (also known as c.632G>C), located in coding exon 5 of the CTNNA1 gene, results from a G to C substitution at nucleotide position 632. The arginine at codon 211 is replaced by threonine, an amino acid with similar properties. This amino acid position is conserved. In addition, this alteration is predicted to be deleterious by in silico analysis. Since supporting evidence is limited at this time, the clinical significance of this alteration remains unclear.

NM_001903.5(CTNNA1):c.632G>C (p.Arg211Thr)

Gene: CTNNA1 (catenin alpha 1; plus strand). Cytogenetic location: 5q31.2.
Variant type: single nucleotide variant.
Coding change: c.632G>C on transcript NM_001903.5 (MANE Select); coding-DNA position 632, G replaced by C.
Protein change: p.Arg211Thr; replaces arginine 211 with threonine.
Molecular consequence: missense variant.
Genome position (GRCh38, 1-based): chr5:138,824,573, G>C. VCF-style: chr5-138824573-G-C. GRCh37 (hg19) VCF-style: chr5-138160262-G-C.
Other names: c.632G>C, p.Arg211Thr (NM_001290307.3, NM_001323982.2, NM_001323983.1 and 3 more transcripts); c.323G>C, p.Arg108Thr (NM_001290309.3); c.263G>C, p.Arg88Thr (NM_001290310.3); short protein forms R88T, R211T, R108T.
Identifiers: ClinVar variation 2625485 (VCV002625485.2), dbSNP rs2532423598, ClinGen allele CA361129521.
Genomic context (GRCh38, chr5:138,824,573, plus strand): 5'-TTTATTTACTCTTGTAGGAATTGAAAGATGTTGGCCATCGTGATCAGATGGCTGCAGCTA[G>C]AGGAATCCTGCAGAAGAACGTTCCGATCCTCTATACTGCATCCCAGGCATGCCTACAGCA-3'
Protein context (NP_001894.2, residues 201-221): VGHRDQMAAA[Arg211Thr]GILQKNVPIL